The following is an entry in ClinVar:

ClinVar aggregate classification (germline): Uncertain significance (1 of 4 stars; one submission).

Conditions:
Hereditary cancer-predisposing syndrome. Also called: Tumor predisposition; Hereditary neoplastic syndrome; Hereditary Cancer Syndrome; Neoplastic Syndromes, Hereditary. Identifiers: Orphanet 140162, MedGen C0027672, MeSH D009386, MONDO:0015356.

Submission:

Ambry Genetics
Classification: Uncertain significance for Hereditary cancer-predisposing syndrome. Last evaluated: 2025-05-22. Review status: criteria provided, single submitter. Criteria: Ambry Variant Classification Scheme 2023. Collection method: clinical testing. Allele origin: germline.
Comment: The p.L750F variant (also known as c.2250A>C), located in coding exon 14 of the RAD50 gene, results from an A to C substitution at nucleotide position 2250. The leucine at codon 750 is replaced by phenylalanine, an amino acid with highly similar properties. This amino acid position is conserved. In addition, this alteration is predicted to be tolerated by in silico analysis. Based on the available evidence, the clinical significance of this variant remains unclear.

NM_005732.4(RAD50):c.2250A>C (p.Leu750Phe)

Gene: RAD50 (RAD50 double strand break repair protein; plus strand). Cytogenetic location: 5q31.1.
Variant type: single nucleotide variant.
Coding change: c.2250A>C on transcript NM_005732.4 (MANE Select); coding-DNA position 2250, A replaced by C.
Protein change: p.Leu750Phe; replaces leucine 750 with phenylalanine.
Molecular consequence: missense variant.
Genome position (GRCh38, 1-based): chr5:132,603,342, A>C. VCF-style: chr5-132603342-A-C. GRCh37 (hg19) VCF-style: chr5-131939034-A-C.
Other names: short protein forms L750F.
Identifiers: ClinVar variation 3942199 (VCV003942199.1).
Genomic context (GRCh38, chr5:132,603,342, plus strand): 5'-ATTGTGTTTTCTATTTAGGCAAAGCATAATTGATTTGAAGGAGAAGGAAATACCAGAATT[A>C]AGAAACAAACTGCAGAATGTCAATAGAGACATACAGCGCCTAAAGAACGACATAGAAGAA-3'
Protein context (NP_005723.2, residues 740-760): IDLKEKEIPE[Leu750Phe]RNKLQNVNRD